The following is an entry in ClinVar:

ClinVar aggregate classification (germline): Likely benign (1 of 4 stars; one submission).

gnomAD v4.1: 975 of 1,605,716 alleles (0.061%); highest among the groups gnomAD compares: South Asian, 0.98%; 7 homozygotes.

Submission:

CeGaT Center for Human Genetics Tuebingen
Classification: Likely benign. Last evaluated: 2025-03-01. Review status: criteria provided, single submitter. Criteria: CeGaT Center For Human Genetics Tuebingen Variant Classification Criteria Version 2. Collection method: clinical testing. Allele origin: germline. Affected: yes. Observed: 1 variant allele.
Comment: SLC25A10: BP4

NM_012140.5(SLC25A10):c.628-24G>A

Gene: SLC25A10 (solute carrier family 25 member 10; plus strand). Cytogenetic location: 17q25.3.
Variant type: single nucleotide variant.
Coding change: c.628-24G>A on transcript NM_012140.5 (MANE Select); 24 bases into the intron before coding-DNA position 628, G replaced by A.
Molecular consequence: intron variant. On other transcripts: missense variant (1).
Genome position (GRCh38, 1-based): chr17:81,717,760, G>A. VCF-style: chr17-81717760-G-A. GRCh37 (hg19) VCF-style: chr17-79684790-G-A.
Other names: c.631G>A, p.Ala211Thr (NM_001270888.2); c.545-24G>A (NM_001270953.2); short protein forms A211T.
Identifiers: ClinVar variation 3778033 (VCV003778033.7).